The following is an entry in ClinVar:

NC_012920.1(MT-TL1):m.3260A>G

Gene: MT-TL1 (mitochondrially encoded tRNA leucine 1 (UUA/G); plus strand).
Variant type: single nucleotide variant.
Genome position: chrM-3260-A-G.
Other names: 3260A-G.
Identifiers: ClinVar variation 9596 (VCV000009596.9), dbSNP rs199474663, ClinGen allele CA120566.

ClinVar aggregate classification (germline): Likely pathogenic. Review status: reviewed by expert panel (3 of 4 stars). 4 submissions from 4 submitters: Likely pathogenic (1). 3 of the submissions do not count toward it. Last evaluated 2023-05-22.

Conditions:
MITOCHONDRIAL CARDIOMYOPATHY WITH OR WITHOUT SKELETAL MYOPATHY.
Mitochondrial disease. Also called: Mitochondrial disorder; Mitochondrial disorders. Identifiers: Orphanet 68380, MedGen C0751651, MeSH D028361, MONDO:0044970.
MELAS syndrome (MELAS). Also called: Juvenile myopathy, encephalopathy, lactic acidosis, stroke. Identifiers: Orphanet 550, MedGen C0162671, MONDO:0010789, OMIM 540000.

Submissions (4):

ClinGen Mitochondrial Disease Nuclear and Mitochondrial  Variant Curation Expert Panel, ClinGen
Classification: Likely pathogenic for Mitochondrial disease. Last evaluated: 2023-05-22. Review status: reviewed by expert panel. Criteria: McCormick et al. (Hum Mutat. 2020). Collection method: curation. Allele origin: germline. Inheritance: Mitochondrial inheritance.
Comment: The m.3260A>G variant in MT-TL1 has been reported in five unrelated individuals with primary mitochondrial disease (PS4_moderate; PMIDs: 1677065, 8210299, 8941275, 20965148, 24656211). Three individuals had features variably consistent with MELAS (mitochondrial encephalomyopathy, lactic acidosis, and stroke-like episodes; PMIDs: 8941275, 20965148, 24656211) and two individuals had cardiomyopathy and skeletal muscle myopathy (PMIDs: 1677065, 8210299). There are no reported de novo occurrences to our knowledge. This variant segregated with disease in one of the reported families, as five affected family members had heteroplasmy levels ranging from 86% - 90% whereas unaffected family members had heteroplasmy levels ranging from 20% - 78% (PP1_moderate; PMID: 1677065). This variant is absent in the GenBank dataset, Helix dataset, and gnomAD v3.1.2 (PM2_supporting). The computational predictor MitoTIP suggests this variant is pathogenic (81st percentile) and HmtVAR predicts it to be pathogenic score of 0.7 (PP3). Studies in cybrids and yeast support the functional impact of this variant (PS3_supporting; PMIDs: 8132749, 19631764). In summary, this variant meets criteria to be classified as likely pathogenic for primary mitochondrial disease inherited in a mitochondrial manner. This classification was approved by the NICHD/NINDS U24 ClinGen Mitochondrial Disease Variant Curation Expert Panel on May 22, 2023. Mitochondrial DNA-specific ACMG/AMP criteria applied (PMID: 32906214): PS4_moderate, PP1_moderate, PM2_supporting, PP3, PS3_supporting.

Wong Mito Lab, Molecular and Human Genetics, Baylor College of Medicine
Classification: Pathogenic for MELAS syndrome. Last evaluated: 2019-07-12. Review status: criteria provided, single submitter. Criteria: Modified ACMG Guidelines (Unpublished). Collection method: clinical testing. Allele origin: germline. Not counted in ClinVar's aggregate classification.
Comment: The NC_012920.1:m.3260A>G variant in MT-TL1 gene is interpreted to be a Pathogenic variant based on the modified ACMG guidelines (unpublished). This variant meets the following evidence codes reported in the guidelines: PS3, PS5, PM7

OMIM
Classification: Pathogenic for MITOCHONDRIAL CARDIOMYOPATHY WITH OR WITHOUT SKELETAL MYOPATHY. Last evaluated: 1994-03-01. Review status: no assertion criteria provided. Collection method: literature only. Allele origin: germline. Not counted in ClinVar's aggregate classification.

GeneReviews
No classification provided. Condition: MELAS syndrome. Review status: no classification provided. Collection method: literature only. Allele origin: maternal. Not counted in ClinVar's aggregate classification.

Literature cited by the submitters: PubMed 8132749 (cited by 3 submitters); PubMed 19631764 (cited by ClinGen Mitochondrial Disease Nuclear and Mitochondrial  Variant Curation Expert Panel, ClinGen); PubMed 31965079 (cited by Wong Mito Lab, Molecular and Human Genetics, Baylor College of Medicine); PubMed 8210299 (cited by Wong Mito Lab, Molecular and Human Genetics, Baylor College of Medicine); PubMed 1677065 (cited by OMIM); PubMed 8941275 (cited by GeneReviews).